The following is an entry in ClinVar:

NM_000334.4(SCN4A):c.3754G>A (p.Ala1252Thr)

Genes: GH-LCR (growth hormone locus control region; plus strand), SCN4A (sodium voltage-gated channel alpha subunit 4; minus strand). Cytogenetic location: 17q23.3.
Variant type: single nucleotide variant.
Coding change: c.3754G>A on transcript NM_000334.4 (MANE Select); coding-DNA position 3754, G replaced by A.
Protein change: p.Ala1252Thr; replaces alanine 1252 with threonine.
Molecular consequence: missense variant.
Genome position (GRCh38, 1-based): chr17:63,945,027, C>T on the plus strand (G>A on the coding strand, the complement: SCN4A is on the minus strand). VCF-style: chr17-63945027-C-T. GRCh37 (hg19) VCF-style: chr17-62022387-C-T.
Other names: short protein forms A1252T.
Identifiers: ClinVar variation 2435728 (VCV002435728.6), dbSNP rs2509289735, ClinGen allele CA400617579.

ClinVar aggregate classification (germline): Uncertain significance. Review status: criteria provided, multiple submitters, no conflicts (2 of 4 stars). 2 submissions from 2 submitters: Uncertain significance (2). Last evaluated 2023-05-21.

Conditions:
Hyperkalemic periodic paralysis. Also called: Familial hyperkalemic periodic paralysis; Gamstorp disease. Identifiers: Orphanet 682, MedGen C0238357, MONDO:0008224, OMIM 170500, HP:0007215.

Submissions (2):

Labcorp Genetics (formerly Invitae), Labcorp
Classification: Uncertain significance for Hyperkalemic periodic paralysis. Last evaluated: 2023-05-21. Review status: criteria provided, single submitter. Criteria: Invitae Variant Classification Sherloc (09022015). Collection method: clinical testing. Allele origin: germline.
Comment: In summary, the available evidence is currently insufficient to determine the role of this variant in disease. Therefore, it has been classified as a Variant of Uncertain Significance. Advanced modeling of protein sequence and biophysical properties (such as structural, functional, and spatial information, amino acid conservation, physicochemical variation, residue mobility, and thermodynamic stability) has been performed at Invitae for this missense variant, however the output from this modeling did not meet the statistical confidence thresholds required to predict the impact of this variant on SCN4A protein function. ClinVar contains an entry for this variant (Variation ID: 2435728). This variant has not been reported in the literature in individuals affected with SCN4A-related conditions. This variant is not present in population databases (gnomAD no frequency). This sequence change replaces alanine, which is neutral and non-polar, with threonine, which is neutral and polar, at codon 1252 of the SCN4A protein (p.Ala1252Thr).

Revvity Omics, Revvity
Classification: Uncertain significance. Last evaluated: 2019-05-24. Review status: criteria provided, single submitter. Criteria: ACMG Guidelines, 2015. Collection method: clinical testing. Allele origin: germline.